The following is an entry in ClinVar:

ClinVar aggregate classification (germline): Pathogenic (1 of 4 stars; one submission).

Conditions:
Sulfite oxidase deficiency due to molybdenum cofactor deficiency type A. Also called: Molybdenum cofactor deficiency, complementation group A; Molybdenum Cofactor Deficiency A. Identifiers: Orphanet 308386, Orphanet 833, MedGen C1854988, MONDO:0009643, OMIM 252150.

Submission:

Labcorp Genetics (formerly Invitae), Labcorp
Classification: Pathogenic for Sulfite oxidase deficiency due to molybdenum cofactor deficiency type A. Last evaluated: 2024-01-17. Review status: criteria provided, single submitter. Criteria: Invitae Variant Classification Sherloc (09022015). Collection method: clinical testing. Allele origin: germline.
Comment: This sequence change creates a premature translational stop signal (p.Gly152Valfs*63) in the MOCS1 gene. It is expected to result in an absent or disrupted protein product. Loss-of-function variants in MOCS1 are known to be pathogenic (PMID: 12754701, 16021469). This variant is not present in population databases (gnomAD no frequency). This variant has not been reported in the literature in individuals affected with MOCS1-related conditions. For these reasons, this variant has been classified as Pathogenic.

Literature cited by the submitters: PubMed 12754701; PubMed 16021469.

NM_001358530.2(MOCS1):c.455del (p.Gly152fs)

Gene: MOCS1 (molybdenum cofactor synthesis 1; minus strand). Cytogenetic location: 6p21.2.
Variant type: Deletion.
Coding change: c.455del on transcript NM_001358530.2 (MANE Select); coding-DNA position 455, one base deleted (G; older notation c.455delG).
Protein change: p.Gly152fs; shifts the reading frame from glycine 152.
Molecular consequence: frameshift variant. On other transcripts: non-coding transcript variant (1).
Genome position (GRCh38, 1-based): chr6:39,916,196, C deleted on the plus strand (G on the coding strand, the reverse complement: MOCS1 is on the minus strand); the first of 2 consecutive C bases (chr6:39,916,196-39,916,197); deleting either gives the same sequence. VCF-style (leftmost placement, unchanged base first): chr6-39916195-AC-A. GRCh37 (hg19) VCF-style: chr6-39883939-AC-A.
Other names: c.455del, p.Gly152fs (NM_001075098.4, NM_001358529.2, NM_005943.6); c.194del, p.Gly65fs (NM_001358531.2, NM_001358533.2, NM_001358534.2); short protein forms G65fs, G152fs.
Identifiers: ClinVar variation 2709895 (VCV002709895.3), dbSNP rs2482336968, ClinGen allele CA2697553358.